The following is an entry in ClinVar:

ClinVar aggregate classification (germline): Uncertain significance (1 of 4 stars; one submission).

Conditions:
Immunodeficiency 35 (IMD35). Also called: Susceptibility to infection due to TYK2 deficiency; HIES WITH ATYPICAL MYCOBACTERIOSIS, AUTOSOMAL RECESSIVE; HYPER-IgE SYNDROME WITH ATYPICAL MYCOBACTERIOSIS, AUTOSOMAL RECESSIVE; TYK2 DEFICIENCY. Identifiers: Orphanet 331226, MedGen C1969086, MONDO:0012682, OMIM 611521.

Allele frequency attached by ClinVar (database versions not stated): ExAC 0.00001; gnomAD 0.00003 and 0.00005; gnomAD exomes 0.00003 and 0.00008; TOPMed 0.00006.
gnomAD v4.1: 125 of 1,613,446 alleles (0.0077%); highest among the groups gnomAD compares: Non-Finnish European, 0.01%; no homozygotes.

Submission:

Labcorp Genetics (formerly Invitae), Labcorp
Classification: Uncertain significance for Immunodeficiency 35. Last evaluated: 2022-06-08. Review status: criteria provided, single submitter. Criteria: Invitae Variant Classification Sherloc (09022015). Collection method: clinical testing. Allele origin: germline.
Comment: This sequence change replaces glycine, which is neutral and non-polar, with arginine, which is basic and polar, at codon 787 of the TYK2 protein (p.Gly787Arg). This variant is present in population databases (rs267605272, gnomAD 0.007%). This variant has not been reported in the literature in individuals affected with TYK2-related conditions. ClinVar contains an entry for this variant (Variation ID: 80928). Algorithms developed to predict the effect of missense changes on protein structure and function are either unavailable or do not agree on the potential impact of this missense change (SIFT: "Not Available"; PolyPhen-2: "Benign"; Align-GVGD: "Not Available"). In summary, the available evidence is currently insufficient to determine the role of this variant in disease. Therefore, it has been classified as a Variant of Uncertain Significance.

NM_003331.5(TYK2):c.2359G>A (p.Gly787Arg)

Gene: TYK2 (tyrosine kinase 2; minus strand). Cytogenetic location: 19p13.2.
Variant type: single nucleotide variant.
Coding change: c.2359G>A on transcript NM_003331.5 (MANE Select); coding-DNA position 2359, G replaced by A.
Protein change: p.Gly787Arg; replaces glycine 787 with arginine.
Molecular consequence: missense variant.
Genome position (GRCh38, 1-based): chr19:10,357,871, C>T on the plus strand (G>A on the coding strand, the complement: TYK2 is on the minus strand). VCF-style: chr19-10357871-C-T. GRCh37 (hg19) VCF-style: chr19-10468547-C-T.
Other names: short protein forms G787R.
Identifiers: ClinVar variation 80928 (VCV000080928.7), dbSNP rs267605272, ClinGen allele CA9193093.